The following is an entry in ClinVar:

ClinVar aggregate classification (germline): Uncertain significance. Review status: criteria provided, multiple submitters, no conflicts (2 of 4 stars). 2 submissions from 2 submitters: Uncertain significance (2). Last evaluated 2025-10-27.

Conditions:
Intellectual disability, X-linked, with or without seizures, ARX-related. Also called: INTELLECTUAL DEVELOPMENTAL DISORDER, X-LINKED 29; MENTAL RETARDATION, X-LINKED 29; MENTAL RETARDATION, X-LINKED 32; MENTAL RETARDATION, X-LINKED 33; MENTAL RETARDATION, X-LINKED 38; MENTAL RETARDATION, X-LINKED 43. Identifiers: Orphanet 777, MedGen C0796244, MONDO:0010317, OMIM 300419.
Developmental and epileptic encephalopathy, 1 (DEE1). Also called: X-linked infantile spasms; West's syndrome; Tonic spasms with clustering, arrest of psychomotor development and hypsarrhythmia on EEG; X-Linked Infantile Spasm Syndrome; OHTAHARA SYNDROME, X-LINKED; Epileptic encephalopathy, early infantile, 1. Identifiers: MedGen C3463992, MONDO:0010632, OMIM 308350. Disease mechanism: loss of function.

Allele frequency attached by ClinVar (database versions not stated): TOPMed below 0.00001.
gnomAD v4.1: 3 of 922,971 alleles (0.00033%); highest among the groups gnomAD compares: Non-Finnish European, 0.0004%; no homozygotes.

Submissions (2):

Labcorp Genetics (formerly Invitae), Labcorp
Classification: Uncertain significance for Developmental and epileptic encephalopathy, 1; Intellectual disability, X-linked, with or without seizures, ARX-related. Last evaluated: 2025-10-27. Review status: criteria provided, single submitter. Criteria: Invitae Variant Classification Sherloc (09022015). Collection method: clinical testing. Allele origin: germline.
Comment: This sequence change replaces glycine, which is neutral and non-polar, with arginine, which is basic and polar, at codon 90 of the ARX protein (p.Gly90Arg). The frequency data for this variant in the population databases is considered unreliable, as metrics indicate insufficient coverage at this position in the gnomAD database. This variant has not been reported in the literature in individuals affected with ARX-related conditions. ClinVar contains an entry for this variant (Variation ID: 2081983). Invitae Evidence Modeling of protein sequence and biophysical properties (such as structural, functional, and spatial information, amino acid conservation, physicochemical variation, residue mobility, and thermodynamic stability) indicates that this missense variant is not expected to disrupt ARX protein function with a negative predictive value of 95%. In summary, the available evidence is currently insufficient to determine the role of this variant in disease. Therefore, it has been classified as a Variant of Uncertain Significance.

Blueprint Genetics
Classification: Uncertain significance. Last evaluated: 2021-02-09. Review status: criteria provided, single submitter. Criteria: ACMG Guidelines, 2015. Collection method: clinical testing. Allele origin: germline.

NM_139058.3(ARX):c.268G>C (p.Gly90Arg)

Gene: ARX (aristaless related homeobox; minus strand). Cytogenetic location: Xp21.3.
Variant type: single nucleotide variant.
Coding change: c.268G>C on transcript NM_139058.3 (MANE Select); coding-DNA position 268, G replaced by C.
Protein change: p.Gly90Arg; replaces glycine 90 with arginine.
Molecular consequence: missense variant.
Genome position (GRCh38, 1-based): chrX:25,013,727, C>G on the plus strand (G>C on the coding strand, the complement: ARX is on the minus strand). VCF-style: chrX-25013727-C-G. GRCh37 (hg19) VCF-style: chrX-25031844-C-G.
Other names: short protein forms G90R.
Identifiers: ClinVar variation 2081983 (VCV002081983.5), dbSNP rs2048713831, ClinGen allele CA412613526.